The following is an entry in ClinVar:

NC_000012.12:g.(?_110910819)_(110911175_?)del

Gene: MYL2 (myosin light chain 2; minus strand). Cytogenetic location: 12q24.11.
Variant type: Deletion.
Identifiers: ClinVar variation 417460 (VCV000417460.1).

ClinVar aggregate classification (germline): Pathogenic (1 of 4 stars; one submission).

Conditions:
Hypertrophic cardiomyopathy 10. Also called: CARDIOMYOPATHY, HYPERTROPHIC, MID-LEFT VENTRICULAR CHAMBER TYPE, 2; MYL2-Related Familial Hypertrophic Cardiomyopathy. Identifiers: MedGen C1834460, MONDO:0012112, OMIM 608758.

Submission:

Labcorp Genetics (formerly Invitae), Labcorp
Classification: Pathogenic for Hypertrophic cardiomyopathy 10. Last evaluated: 2016-12-27. Review status: criteria provided, single submitter. Criteria: Invitae Variant Classification Sherloc (09022015). Collection method: clinical testing. Allele origin: germline.
Comment: This variant is a gross deletion of the genomic region encompassing exon 7 of the MYL2 gene. The 5' boundary is likely confined to intron 6. The 3' end of this event is unknown as it extends through the termination codon beyond the assayed region for this gene and may encompass additional genes. While this deletion is not anticipated to result in nonsense mediated decay, it is expected to create a truncated protein product or disrupt mRNA translation. This variant results in the deletion of the EF-hand calcium binding domain 3 (PMID: 4942892, 678511, 26074085 ). This domain contains amino acid residues required for protein function that have been involved in pathogenic variants, such as p.Asp166Val (PMID: 12707239, 23727233, 18987303). Furthermore, an intron 6 acceptor splice site variant (c403-1G>C) causing a frameshift and replacement of the Exon 7 coded amino acids by 19 unrelated ones has been reported in the homozygous state in several individuals affected with infantile type I muscle fibre disease and cardiomyopathy, and has been shown to have a deep impact on protein function (PMID: 23365102, 27378946). This indicates that MYL2 exon 7 codes for a functionally important region of the protein. For these reasons, this variant has been classified as Pathogenic.